The following is an entry in ClinVar:

ClinVar aggregate classification (germline): Uncertain significance. Review status: criteria provided, multiple submitters, no conflicts (2 of 4 stars). 2 submissions from 2 submitters: Uncertain significance (2). Last evaluated 2023-06-26.

Conditions:
MYO15A-related disorder. Also called: MYO15A-related condition.

Allele frequency attached by ClinVar (database versions not stated): gnomAD exomes below 0.00001; TOPMed 0.00001.
gnomAD v4.1: 2 of 1,614,146 alleles (0.00012%); highest among the groups gnomAD compares: Non-Finnish European, 0.00017%; no homozygotes.

Submissions (2):

GeneDx
Classification: Uncertain significance. Last evaluated: 2023-06-26. Review status: criteria provided, single submitter. Criteria: GeneDx Variant Classification Process June 2021. Collection method: clinical testing. Allele origin: germline. Affected: yes.
Comment: Not observed at significant frequency in large population cohorts (gnomAD); In silico analysis supports that this missense variant does not alter protein structure/function; Has not been previously published as pathogenic or benign to our knowledge

PreventionGenetics, part of Exact Sciences
Classification: Uncertain significance for MYO15A-related condition. Last evaluated: 2022-08-23. Review status: criteria provided, single submitter. Criteria: ACMG Guidelines, 2015. Collection method: clinical testing. Allele origin: germline.
Comment: The MYO15A c.9107A>G variant is predicted to result in the amino acid substitution p.Lys3036Arg. To our knowledge, this variant has not been reported in the literature or in a large population database, indicating this variant is rare. At this time, the clinical significance of this variant is uncertain due to the absence of conclusive functional and genetic evidence.

NM_016239.4(MYO15A):c.9107A>G (p.Lys3036Arg)

Gene: MYO15A (myosin XVA; plus strand). Cytogenetic location: 17p11.2.
Variant type: single nucleotide variant.
Coding change: c.9107A>G on transcript NM_016239.4 (MANE Select); coding-DNA position 9107, A replaced by G.
Protein change: p.Lys3036Arg; replaces lysine 3036 with arginine.
Molecular consequence: missense variant.
Genome position (GRCh38, 1-based): chr17:18,158,948, A>G. VCF-style: chr17-18158948-A-G. GRCh37 (hg19) VCF-style: chr17-18062262-A-G.
Other names: short protein forms K3036R.
Identifiers: ClinVar variation 2629162 (VCV002629162.2), dbSNP rs1181103197, ClinGen allele CA398633153.